The following is an entry in ClinVar:

ClinVar aggregate classification (germline): Uncertain significance (1 of 4 stars; one submission).

Conditions:
Adams-Oliver syndrome 5 (AOS5). Identifiers: Orphanet 974, MedGen C4014970, MONDO:0014459, OMIM 616028.

Submission:

Labcorp Genetics (formerly Invitae), Labcorp
Classification: Uncertain significance for Adams-Oliver syndrome 5. Last evaluated: 2021-10-23. Review status: criteria provided, single submitter. Criteria: Invitae Variant Classification Sherloc (09022015). Collection method: clinical testing. Allele origin: germline.
Comment: This sequence change replaces alanine with glycine at codon 1471 of the NOTCH1 protein (p.Ala1471Gly). The alanine residue is highly conserved and there is a small physicochemical difference between alanine and glycine. This variant is not present in population databases (ExAC no frequency). This variant has not been reported in the literature in individuals affected with NOTCH1-related conditions. Advanced modeling of protein sequence and biophysical properties (such as structural, functional, and spatial information, amino acid conservation, physicochemical variation, residue mobility, and thermodynamic stability) performed at Invitae indicates that this missense variant is not expected to disrupt NOTCH1 protein function. Algorithms developed to predict the effect of sequence changes on RNA splicing suggest that this variant may create or strengthen a splice site. In summary, the available evidence is currently insufficient to determine the role of this variant in disease. Therefore, it has been classified as a Variant of Uncertain Significance.

NM_017617.5(NOTCH1):c.4412C>G (p.Ala1471Gly)

Gene: NOTCH1 (notch receptor 1; minus strand). Cytogenetic location: 9q34.3.
Variant type: single nucleotide variant.
Coding change: c.4412C>G on transcript NM_017617.5 (MANE Select); coding-DNA position 4412, C replaced by G.
Protein change: p.Ala1471Gly; replaces alanine 1471 with glycine.
Molecular consequence: missense variant.
Genome position (GRCh38, 1-based): chr9:136,505,484, G>C on the plus strand (C>G on the coding strand, the complement: NOTCH1 is on the minus strand). VCF-style: chr9-136505484-G-C. GRCh37 (hg19) VCF-style: chr9-139399936-G-C.
Other names: short protein forms A1471G.
Identifiers: ClinVar variation 1374659 (VCV001374659.6), dbSNP rs376799353, ClinGen allele CA375647755.
Genomic context (GRCh38, chr9:136,505,484, plus strand): 5'-GTGCAGTTCTTCCAGGGGTCATTGAAGTTGAGGGAGCAGTCACCGCCGTCCCAGCCGCAC[G>C]CGTGGTTGTTGCACTGCAGGCTGCAGACCTTGTTGCCCGCGTCCTCCTGGCACTCGGGCA-3'
Protein context (NP_060087.3, residues 1461-1481): KVCSLQCNNH[Ala1471Gly]CGWDGGDCSL